The following is an entry in ClinVar:

NM_001122764.3(PPOX):c.503G>A (p.Arg168His)

Gene: PPOX (protoporphyrinogen oxidase; plus strand). Cytogenetic location: 1q23.3.
Variant type: single nucleotide variant.
Coding change: c.503G>A on transcript NM_001122764.3 (MANE Select); coding-DNA position 503, G replaced by A.
Protein change: p.Arg168His; replaces arginine 168 with histidine.
Molecular consequence: missense variant.
Genome position (GRCh38, 1-based): chr1:161,168,463, G>A. VCF-style: chr1-161168463-G-A. GRCh37 (hg19) VCF-style: chr1-161138253-G-A.
Other names: c.503G>A, p.Arg168His (NM_000309.5, NM_001365398.1, NM_001365399.1); c.404G>A, p.Arg135His (NM_001350128.2); c.95G>A, p.Arg32His (NM_001350129.2, NM_001365400.1); c.17G>A, p.Arg6His (NM_001350130.2, NM_001350131.2, NM_001365401.1); short protein forms R168H, R135H, R32H, R6H.
Identifiers: ClinVar variation 8697 (VCV000008697.52), dbSNP rs41270025, ClinGen allele CA280986.

ClinVar aggregate classification (germline): Pathogenic/Likely pathogenic. Review status: criteria provided, multiple submitters, no conflicts (2 of 4 stars). 8 submissions from 8 submitters: Pathogenic (4); Likely pathogenic (2). 2 of the submissions do not count toward it. Last evaluated 2024-10-24.

Conditions:
Variegate porphyria (VP). Also called: PPOX DEFICIENCY; PORPHYRIA, SOUTH AFRICAN TYPE; PROTOPORPHYRINOGEN OXIDASE DEFICIENCY. Identifiers: Orphanet 79473, MedGen C0162532, MONDO:0008297, OMIM 176200.

Allele frequency attached by ClinVar (database versions not stated): TOPMed below 0.00001; gnomAD 0.00001.

Submissions (8):

Dasa
Classification: Likely pathogenic. Last evaluated: 2024-10-24. Review status: criteria provided, single submitter. Criteria: DASA Assertion Criteria. Collection method: clinical testing. Allele origin: germline.
Comment: NM_001122764.3(PPOX):c.503G>A (p.Arg168His) is a missense variant that results in the substitution of arginine with histidine. The affected residue or protein region has prior evidence supporting clinical relevance. This variant has been reported in individuals with PPOX-related disorders (PMID: 11173967). Segregation data support an association with disease in the reported family/families (PMID: 11173967). Also, this variant is rare in population databases. Computational evidence supports a deleterious effect. Based on the currently available evidence, this variant is classified as likely pathogenic.

Labcorp Genetics (formerly Invitae), Labcorp
Classification: Pathogenic. Last evaluated: 2022-11-03. Review status: criteria provided, single submitter. Criteria: Invitae Variant Classification Sherloc (09022015). Collection method: clinical testing. Allele origin: germline.
Comment: For these reasons, this variant has been classified as Pathogenic. Experimental studies have shown that this missense change affects PPOX function (PMID: 11929051, 21048046). Advanced modeling of protein sequence and biophysical properties (such as structural, functional, and spatial information, amino acid conservation, physicochemical variation, residue mobility, and thermodynamic stability) performed at Invitae indicates that this missense variant is not expected to disrupt PPOX protein function. ClinVar contains an entry for this variant (Variation ID: 8697). This missense change has been observed in individuals with variegate porphyria (PMID: 9738863, 10486317, 11173967, 18570668, 19845869, 28653968). It has also been observed to segregate with disease in related individuals. This variant is not present in population databases (gnomAD no frequency). This sequence change replaces arginine, which is basic and polar, with histidine, which is basic and polar, at codon 168 of the PPOX protein (p.Arg168His).

CeGaT Center for Human Genetics Tuebingen
Classification: Pathogenic. Last evaluated: 2021-11-01. Review status: criteria provided, single submitter. Criteria: CeGaT Center For Human Genetics Tuebingen Variant Classification Criteria Version 2. Collection method: clinical testing. Allele origin: germline. Affected: yes. Observed: 1 variant allele.

Laboratorio de Genetica e Diagnostico Molecular, Hospital Israelita Albert Einstein
Classification: Pathogenic. Last evaluated: 2020-07-02. Review status: criteria provided, single submitter. Criteria: ACMG Guidelines, 2015. Collection method: clinical testing. Allele origin: germline. Affected: yes.
Comment: ACMG classification criteria: PS3, PS4, PM2, PP1, PP2, PP4

CENTOGENE GmbH and LLC - Guiding Precision Medicine
Classification: Likely pathogenic for Variegate porphyria. Last evaluated: 2019-02-28. Review status: criteria provided, single submitter. Criteria: ACMG Guidelines, 2015. Collection method: clinical testing. Allele origin: germline. Affected: yes.

GeneDx
Classification: Pathogenic. Last evaluated: 2018-01-02. Review status: criteria provided, single submitter. Criteria: GeneDx Variant Classification (06012015). Collection method: clinical testing. Allele origin: germline. Affected: yes.
Comment: The R168H variant in the PPOX gene has been reported previously in association with variegate porphyria (Frank et al., 1998; Whatley et al., 1999; Frank et al., 2001; Rossetti et al., 2008). The R168H variant is not observed in large population cohorts (Lek et al., 2016; 1000 Genomes Consortium et al., 2015; Exome Variant Server). The R168H variant is a conservative amino acid substitution, which is not likely to impact secondary protein structure as these residues share similar properties. This substitution occurs at a position that is conserved across species. Functional studies demonstrate R168H disrupts the hydrogen bond network, and has a 50-fold decrease in catalytic activity (Qin et al., 2011). We interpret R168H as a pathogenic variant.

Clinical Genetics Laboratory, University Hospital Schleswig-Holstein
Classification: Pathogenic for Variegate porphyria. Last evaluated: 2022-12-01. Review status: no assertion criteria provided. Collection method: clinical testing. Allele origin: germline. Affected: yes. Not counted in ClinVar's aggregate classification.

OMIM
Classification: Pathogenic for VARIEGATE PORPHYRIA. Last evaluated: 2001-01-01. Review status: no assertion criteria provided. Collection method: literature only. Allele origin: germline. Not counted in ClinVar's aggregate classification.

Literature cited by the submitters: PubMed 9738863 (cited by 3 submitters); PubMed 11173967 (cited by 3 submitters); PubMed 30476629 (cited by Dasa and OMIM); PubMed 11929051 (cited by Labcorp Genetics (formerly Invitae), Labcorp); PubMed 21048046 (cited by Labcorp Genetics (formerly Invitae), Labcorp); PubMed 10486317 (cited by Labcorp Genetics (formerly Invitae), Labcorp); PubMed 18570668 (cited by Labcorp Genetics (formerly Invitae), Labcorp); PubMed 19845869 (cited by Labcorp Genetics (formerly Invitae), Labcorp); PubMed 28653968 (cited by Labcorp Genetics (formerly Invitae), Labcorp).